The following is an entry in ClinVar:

ClinVar aggregate classification (germline): Uncertain significance (1 of 4 stars; one submission).

Submission:

Labcorp Genetics (formerly Invitae), Labcorp
Classification: Uncertain significance. Last evaluated: 2021-04-15. Review status: criteria provided, single submitter. Criteria: Invitae Variant Classification Sherloc (09022015). Collection method: clinical testing. Allele origin: germline.
Comment: This variant has not been reported in the literature in individuals with BEST1-related conditions. This variant is not present in population databases (ExAC no frequency). This sequence change replaces arginine with glycine at codon 355 of the BEST1 protein (p.Arg355Gly). The arginine residue is moderately conserved and there is a moderate physicochemical difference between arginine and glycine. Algorithms developed to predict the effect of missense changes on protein structure and function are either unavailable or do not agree on the potential impact of this missense change (SIFT: "Tolerated"; PolyPhen-2: "Possibly Damaging"; Align-GVGD: "Class C0"). In summary, the available evidence is currently insufficient to determine the role of this variant in disease. Therefore, it has been classified as a Variant of Uncertain Significance.

NM_004183.4(BEST1):c.1063C>G (p.Arg355Gly)

Gene: BEST1 (bestrophin 1; plus strand). Cytogenetic location: 11q12.3.
Variant type: single nucleotide variant.
Coding change: c.1063C>G on transcript NM_004183.4 (MANE Select); coding-DNA position 1063, C replaced by G.
Protein change: p.Arg355Gly; replaces arginine 355 with glycine.
Molecular consequence: missense variant. On other transcripts: synonymous variant (1), non-coding transcript variant (1).
Genome position (GRCh38, 1-based): chr11:61,960,006, C>G. VCF-style: chr11-61960006-C-G. GRCh37 (hg19) VCF-style: chr11-61727478-C-G.
Other names: c.883C>G, p.Arg295Gly (NM_001139443.3, NM_001300787.2); c.802C>G, p.Arg268Gly (NM_001300786.2); c.745C>G, p.Arg249Gly (NM_001363591.3); c.1266C>G, p.Ser422= (NM_001363592.2); c.91C>G, p.Arg31Gly (NM_001363593.3); short protein forms R268G, R249G, R31G, R295G, R355G.
Identifiers: ClinVar variation 1345598 (VCV001345598.8), dbSNP rs139637557, ClinGen allele CA380846338.